The following is an entry in ClinVar:

NM_004108.3(FCN2):c.707C>T (p.Thr236Met)

Gene: FCN2 (ficolin 2; plus strand). Cytogenetic location: 9q34.3.
Variant type: single nucleotide variant.
Coding change: c.707C>T on transcript NM_004108.3 (MANE Select); coding-DNA position 707, C replaced by T.
Protein change: p.Thr236Met; replaces threonine 236 with methionine.
Molecular consequence: missense variant.
Genome position (GRCh38, 1-based): chr9:134,887,180, C>T. VCF-style: chr9-134887180-C-T. GRCh37 (hg19) VCF-style: chr9-137779026-C-T.
Other names: c.593C>T, p.Thr198Met (NM_015837.3); short protein forms T198M, T236M.
Identifiers: ClinVar variation 3060333 (VCV003060333.3), dbSNP rs17549193, ClinGen allele CA5321348.

ClinVar aggregate classification (germline): Likely benign. Review status: criteria provided, single submitter (1 of 4 stars). 2 submissions from 2 submitters: Likely benign (1). 1 of the submissions does not count toward it. Last evaluated 2024-11-27.

Conditions:
FCN2-related disorder. Also called: FCN2-related condition.

Allele frequency attached by ClinVar (database versions not stated): 1000 Genomes Project 0.24880; 1000 Genomes Project 30x 0.25281; ExAC 0.26233; gnomAD exomes 0.27672; TOPMed 0.28933; gnomAD 0.29290; ESP Exome Variant Server 0.30717.

Submissions (2):

Blueprint Genetics
Classification: Likely benign. Last evaluated: 2024-11-27. Review status: criteria provided, single submitter. Criteria: ACMG Guidelines, 2015. Collection method: clinical testing. Allele origin: germline.

PreventionGenetics, part of Exact Sciences
Classification: Benign for FCN2-related condition. Last evaluated: 2022-11-01. Review status: no assertion criteria provided. Collection method: clinical testing. Allele origin: germline. Not counted in ClinVar's aggregate classification.
Comment: This variant is classified as benign based on ACMG/AMP sequence variant interpretation guidelines (Richards et al. 2015 PMID: 25741868, with internal and published modifications).